The following is an entry in ClinVar:

ClinVar aggregate classification (germline): Uncertain significance (1 of 4 stars; one submission).

Conditions:
Andersen Tawil syndrome (LQT7). Also called: Andersen Syndrome; ANDERSEN CARDIODYSRHYTHMIC PERIODIC PARALYSIS; LONG QT SYNDROME 7; PERIODIC PARALYSIS, POTASSIUM-SENSITIVE CARDIODYSRHYTHMIC TYPE; Potassium-sensitive periodic paralysis, ventricular ectopy, and dysmorphic features. Identifiers: Orphanet 37553, MedGen C1563715, MONDO:0008222, OMIM 170390.
Short QT syndrome type 3. Identifiers: Orphanet 51083, MedGen C1865018, MONDO:0012314, OMIM 609622.

Allele frequency attached by ClinVar (database versions not stated): TOPMed below 0.00001.

Submission:

Labcorp Genetics (formerly Invitae), Labcorp
Classification: Uncertain significance for Short QT syndrome type 3; Andersen Tawil syndrome. Last evaluated: 2022-10-24. Review status: criteria provided, single submitter. Criteria: Invitae Variant Classification Sherloc (09022015). Collection method: clinical testing. Allele origin: germline.
Comment: This sequence change replaces alanine, which is neutral and non-polar, with serine, which is neutral and polar, at codon 173 of the KCNJ2 protein (p.Ala173Ser). This variant is not present in population databases (gnomAD no frequency). This variant has not been reported in the literature in individuals affected with KCNJ2-related conditions. ClinVar contains an entry for this variant (Variation ID: 1369292). Advanced modeling of protein sequence and biophysical properties (such as structural, functional, and spatial information, amino acid conservation, physicochemical variation, residue mobility, and thermodynamic stability) performed at Invitae indicates that this missense variant is not expected to disrupt KCNJ2 protein function. In summary, the available evidence is currently insufficient to determine the role of this variant in disease. Therefore, it has been classified as a Variant of Uncertain Significance.

NM_000891.3(KCNJ2):c.517G>T (p.Ala173Ser)

Gene: KCNJ2 (potassium inwardly rectifying channel subfamily J member 2; plus strand). Cytogenetic location: 17q24.3.
Variant type: single nucleotide variant.
Coding change: c.517G>T on transcript NM_000891.3 (MANE Select); coding-DNA position 517, G replaced by T.
Protein change: p.Ala173Ser; replaces alanine 173 with serine.
Molecular consequence: missense variant.
Genome position (GRCh38, 1-based): chr17:70,175,556, G>T. VCF-style: chr17-70175556-G-T. GRCh37 (hg19) VCF-style: chr17-68171697-G-T.
Other names: short protein forms A173S.
Identifiers: ClinVar variation 1369292 (VCV001369292.8), dbSNP rs778699148, ClinGen allele CA400860814.
Genomic context (GRCh38, chr17:70,175,556, plus strand): 5'-GAATGCCCAATTGCTGTTTTCATGGTGGTGTTCCAGTCAATCGTGGGCTGCATCATCGAT[G>T]CTTTCATCATTGGCGCAGTCATGGCCAAGATGGCAAAGCCAAAGAAGAGAAACGAGACTC-3'
Protein context (NP_000882.1, residues 163-183): FQSIVGCIID[Ala173Ser]FIIGAVMAKM